The following is an entry in ClinVar:

ClinVar aggregate classification (germline): Likely pathogenic (1 of 4 stars; one submission).

Conditions:
Hereditary breast ovarian cancer syndrome. Also called: Hereditary breast and ovarian cancer syndrome; Hereditary breast and ovarian cancer syndrome (HBOC); Hereditary breast and/or ovarian cancer syndrome; Hereditary breast and ovarian cancer; BRCA1- and BRCA2-Associated Hereditary Breast and Ovarian Cancer; Breast and ovarian cancer. Identifiers: Orphanet 145, MedGen C0677776, MeSH D061325, MONDO:0003582. Disease mechanism: loss of function.

Submission:

Labcorp Genetics (formerly Invitae), Labcorp
Classification: Likely pathogenic for Hereditary breast ovarian cancer syndrome. Last evaluated: 2022-08-15. Review status: criteria provided, single submitter. Criteria: Invitae Variant Classification Sherloc (09022015). Collection method: clinical testing. Allele origin: germline.
Comment: In summary, the currently available evidence indicates that the variant is pathogenic, but additional data are needed to prove that conclusively. Therefore, this variant has been classified as Likely Pathogenic. Algorithms developed to predict the effect of sequence changes on RNA splicing suggest that this variant may disrupt the consensus splice site. ClinVar contains an entry for this variant (Variation ID: 933735). Disruption of this splice site has been observed in individual(s) with ovarian cancer (PMID: 28947987, 30103829). This variant is not present in population databases (gnomAD no frequency). This sequence change affects a donor splice site in intron 16 of the BRCA2 gene. It is expected to disrupt RNA splicing. Variants that disrupt the donor or acceptor splice site typically lead to a loss of protein function (PMID: 16199547), and loss-of-function variants in BRCA2 are known to be pathogenic (PMID: 20104584).

Literature cited by the submitters: PubMed 28947987; PubMed 30103829; PubMed 16199547; PubMed 20104584.

NM_000059.4(BRCA2):c.7805+2_7805+3del

Gene: BRCA2 (BRCA2 DNA repair associated; plus strand). Cytogenetic location: 13q13.1.
Variant type: Deletion.
Coding change: c.7805+2_7805+3del on transcript NM_000059.4 (MANE Select); the canonical splice donor site of the intron after coding-DNA position 7805 through 3 bases into the intron after coding-DNA position 7805, 2 bases deleted (TA; older notation c.7805+2_7805+3delTA).
Molecular consequence: splice donor variant.
Genome position (GRCh38, 1-based): chr13:32,357,931-32,357,932, TA deleted. VCF-style (leftmost placement, unchanged base first): chr13-32357930-GTA-G. GRCh37 (hg19) VCF-style: chr13-32932067-GTA-G.
Identifiers: ClinVar variation 933735 (VCV000933735.12), dbSNP rs2072712311, ClinGen allele CA1139663207.
Genomic context (GRCh38, chr13:32,357,930, plus strand): 5'-TGATGGTGGATGGCTCATACCCTCCAATGATGGAAAGGCTGGAAAAGAAGAATTTTATAG[GTA>G]CTCTATGCAAAAAGATTGTGTGTTAACTTTTATGTATTCCCTCATCCCTCTTTCTTCTCT-3'